The following is an entry in ClinVar:

NM_000516.7(GNAS):c.531-1162A>C

Genes: GNAS (GNAS complex locus; plus strand), LOC130066270 (ATAC-STARR-seq lymphoblastoid active region 18180; plus strand). Cytogenetic location: 20q13.32.
Variant type: single nucleotide variant.
Coding change: c.531-1162A>C on transcript NM_000516.7 (MANE Select); 1162 bases into the intron before coding-DNA position 531, A replaced by C.
Molecular consequence: intron variant.
Genome position (GRCh38, 1-based): chr20:58,908,000, A>C. VCF-style: chr20-58908000-A-C. GRCh37 (hg19) VCF-style: chr20-57483055-A-C.
Other names: c.*437-1162A>C (NM_016592.5); c.435-1162A>C (NM_001410912.1); c.354-1162A>C (NM_001309861.2, NM_001309840.2); c.*392-1162A>C (NM_001077490.3); c.2460-1162A>C (NM_080425.4); c.2415-1162A>C (NM_001410913.1); c.534-1162A>C (NM_001077488.5); c.489-1162A>C (NM_080426.4); and 1 more.
Identifiers: ClinVar variation 2652449 (VCV002652449.24), dbSNP rs544867641, ClinGen allele CA316338681.

ClinVar aggregate classification (germline): Likely benign (1 of 4 stars; one submission).

Allele frequency attached by ClinVar (database versions not stated): 1000 Genomes Project 30x 0.00016; 1000 Genomes Project 0.00020; TOPMed 0.00131; gnomAD 0.00138.
gnomAD v4.1: 210 of 152,342 alleles (0.14%); highest among the groups gnomAD compares: Non-Finnish European, 0.25%; no homozygotes.

Submission:

CeGaT Center for Human Genetics Tuebingen
Classification: Likely benign. Last evaluated: 2026-09-01. Review status: criteria provided, single submitter. Criteria: CeGaT Center For Human Genetics Tuebingen Variant Classification Criteria Version 2. Collection method: clinical testing. Allele origin: germline. Affected: yes. Observed: 15 variant alleles.
Comment: GNAS: BS1